The following is an entry in ClinVar:

ClinVar aggregate classification (germline): Uncertain significance (1 of 4 stars; one submission).

Submission:

ARUP Laboratories, Molecular Genetics and Genomics, ARUP Laboratories
Classification: Uncertain significance. Last evaluated: 2018-05-11. Review status: criteria provided, single submitter. Criteria: ARUP Molecular Germline Variant Investigation Process. Collection method: clinical testing. Allele origin: germline.
Comment: The LRPPRC c.-4A>G variant, to our knowledge, is not reported in the medical literature or gene specific variation databases. This variant is also absent from the general population databases (1000 Genomes Project, Exome Variant Server, Genome Aggregation Database), indicating that it is not a common polymorphism. Although the nucleotide at this position is weakly conserved, it does reside in a region that is involved in regulating translation. Therefore, based on the available information, the clinical significance of the c.-4A>G variant cannot be determined with certainty.

NM_133259.4(LRPPRC):c.-4A>G

Gene: LRPPRC (leucine rich pentatricopeptide repeat containing; minus strand). Cytogenetic location: 2p21.
Variant type: single nucleotide variant.
Coding change: c.-4A>G on transcript NM_133259.4 (MANE Select); 4 bases upstream of the start codon, A replaced by G.
Molecular consequence: 5 prime UTR variant.
Genome position (GRCh38, 1-based): chr2:43,995,951, T>C on the plus strand (A>G on the coding strand, the complement: LRPPRC is on the minus strand). VCF-style: chr2-43995951-T-C. GRCh37 (hg19) VCF-style: chr2-44223090-T-C.
Identifiers: ClinVar variation 618708 (VCV000618708.8), dbSNP rs1559083136, ClinGen allele CA913189775.
Genomic context (GRCh38, chr2:43,995,951, plus strand): 5'-GCGCGGGGCCGCCCCGGCACGCAGCAACCAACGCGCGGATCTCAGCAGGGCTGCCATTGC[T>C]CGAACGTCCCCGCAGCGGGAAGCACGCTCCGCCAGAAGGACAGGAGGAGCATGTGACCGC-3'